The following is an entry in ClinVar:

NM_002317.7(LOX):c.63C>A (p.Cys21Ter)

Genes: LOX (lysyl oxidase; minus strand), SRFBP1 (serum response factor binding protein 1; plus strand). Cytogenetic location: 5q23.1.
Variant type: single nucleotide variant.
Coding change: c.63C>A on transcript NM_002317.7 (MANE Select); coding-DNA position 63, C replaced by A.
Protein change: p.Cys21Ter; replaces cysteine 21 with a stop codon.
Molecular consequence: nonsense.
Genome position (GRCh38, 1-based): chr5:122,077,923, G>T on the plus strand (C>A on the coding strand, the complement: LOX is on the minus strand). VCF-style: chr5-122077923-G-T. GRCh37 (hg19) VCF-style: chr5-121413618-G-T.
Other names: short protein forms C21*.
Identifiers: ClinVar variation 2091974 (VCV002091974.4), dbSNP rs771172229, ClinGen allele CA360878693.

ClinVar aggregate classification (germline): Pathogenic (1 of 4 stars; one submission).

Submission:

Labcorp Genetics (formerly Invitae), Labcorp
Classification: Pathogenic. Last evaluated: 2025-09-28. Review status: criteria provided, single submitter. Criteria: Invitae Variant Classification Sherloc (09022015). Collection method: clinical testing. Allele origin: germline.
Comment: This sequence change creates a premature translational stop signal (p.Cys21*) in the LOX gene. It is expected to result in an absent or disrupted protein product. Loss-of-function variants in LOX are known to be pathogenic (PMID: 12417550, 26838787, 27432961). This variant is not present in population databases (gnomAD no frequency). This variant has not been reported in the literature in individuals affected with LOX-related conditions. ClinVar contains an entry for this variant (Variation ID: 2091974). For these reasons, this variant has been classified as Pathogenic.

Literature cited by the submitters: PubMed 12417550; PubMed 26838787; PubMed 27432961.